The following is an entry in ClinVar:

ClinVar aggregate classification (germline): Uncertain significance (1 of 4 stars; one submission).

Allele frequency attached by ClinVar (database versions not stated): TOPMed below 0.00001; gnomAD exomes 0.00001; ExAC 0.00003.
gnomAD v4.1: 4 of 1,572,498 alleles (0.00025%); highest among the groups gnomAD compares: Non-Finnish European, 0.00035%; no homozygotes.

Submission:

Labcorp Genetics (formerly Invitae), Labcorp
Classification: Uncertain significance. Last evaluated: 2023-12-09. Review status: criteria provided, single submitter. Criteria: Invitae Variant Classification Sherloc (09022015). Collection method: clinical testing. Allele origin: germline.
Comment: This sequence change replaces leucine, which is neutral and non-polar, with proline, which is neutral and non-polar, at codon 218 of the ASAH1 protein (p.Leu218Pro). The frequency data for this variant in the population databases is considered unreliable, as metrics indicate poor data quality at this position in the gnomAD database. This variant has not been reported in the literature in individuals affected with ASAH1-related conditions. Advanced modeling of protein sequence and biophysical properties (such as structural, functional, and spatial information, amino acid conservation, physicochemical variation, residue mobility, and thermodynamic stability) performed at Invitae indicates that this missense variant is not expected to disrupt ASAH1 protein function with a negative predictive value of 80%. In summary, the available evidence is currently insufficient to determine the role of this variant in disease. Therefore, it has been classified as a Variant of Uncertain Significance.

NM_177924.5(ASAH1):c.653T>C (p.Leu218Pro)

Gene: ASAH1 (N-acylsphingosine amidohydrolase 1; minus strand). Cytogenetic location: 8p22.
Variant type: single nucleotide variant.
Coding change: c.653T>C on transcript NM_177924.5 (MANE Select); coding-DNA position 653, T replaced by C.
Protein change: p.Leu218Pro; replaces leucine 218 with proline.
Molecular consequence: missense variant.
Genome position (GRCh38, 1-based): chr8:18,061,736, A>G on the plus strand (T>C on the coding strand, the complement: ASAH1 is on the minus strand). VCF-style: chr8-18061736-A-G. GRCh37 (hg19) VCF-style: chr8-17919245-A-G.
Other names: c.635T>C, p.Leu212Pro (NM_001127505.3); c.458T>C, p.Leu153Pro (NM_001363743.2); c.701T>C, p.Leu234Pro (NM_004315.6); short protein forms L153P, L218P, L212P, L234P.
Identifiers: ClinVar variation 2724405 (VCV002724405.3), dbSNP rs778777347, ClinGen allele CA4650733.